The following is an entry in ClinVar:

NM_001195263.2(PDZD7):c.2152C>T (p.Gln718Ter)

Gene: PDZD7 (PDZ domain containing 7; minus strand). Cytogenetic location: 10q24.31.
Variant type: single nucleotide variant.
Coding change: c.2152C>T on transcript NM_001195263.2 (MANE Select); coding-DNA position 2152, C replaced by T.
Protein change: p.Gln718Ter; replaces glutamine 718 with a stop codon.
Molecular consequence: nonsense.
Genome position (GRCh38, 1-based): chr10:101,010,737, G>A on the plus strand (C>T on the coding strand, the complement: PDZD7 is on the minus strand). VCF-style: chr10-101010737-G-A. GRCh37 (hg19) VCF-style: chr10-102770494-G-A.
Other names: short protein forms Q718*.
Identifiers: ClinVar variation 1944183 (VCV001944183.5), dbSNP rs1287699378, ClinGen allele CA378225097.

ClinVar aggregate classification (germline): Pathogenic (1 of 4 stars; one submission).

Allele frequency attached by ClinVar (database versions not stated): gnomAD exomes below 0.00001.
gnomAD v4.1: 3 of 1,273,478 alleles (0.00024%); highest among the groups gnomAD compares: Non-Finnish European, 0.00031%; no homozygotes.

Submission:

Labcorp Genetics (formerly Invitae), Labcorp
Classification: Pathogenic. Last evaluated: 2022-08-16. Review status: criteria provided, single submitter. Criteria: Invitae Variant Classification Sherloc (09022015). Collection method: clinical testing. Allele origin: germline.
Comment: For these reasons, this variant has been classified as Pathogenic. This variant has not been reported in the literature in individuals affected with PDZD7-related conditions. This variant is not present in population databases (gnomAD no frequency). This sequence change creates a premature translational stop signal (p.Gln718*) in the PDZD7 gene. It is expected to result in an absent or disrupted protein product. Loss-of-function variants in PDZD7 are known to be pathogenic (PMID: 20440071).

Literature cited by the submitters: PubMed 20440071.